The following is an entry in ClinVar:

ClinVar aggregate classification (germline): Benign. Review status: criteria provided, multiple submitters, no conflicts (2 of 4 stars). 9 submissions from 9 submitters: Benign (6). 3 of the submissions do not count toward it. Last evaluated 2026-02-04.

Conditions:
Occipital pachygyria and polymicrogyria. Identifiers: Orphanet 280640, MedGen C3279875, MONDO:0013583, OMIM 614115.

Allele frequency attached by ClinVar (database versions not stated): ExAC 0.51885; TOPMed 0.56512; ESP Exome Variant Server 0.56595; gnomAD 0.56936; 1000 Genomes Project 0.65595; 1000 Genomes Project 30x 0.65631.
gnomAD v4.1: 714,684 of 1,544,138 alleles (46%); highest among the groups gnomAD compares: East Asian, 84%; 173,671 homozygotes.

Submissions (9):

Labcorp Genetics (formerly Invitae), Labcorp
Classification: Benign. Last evaluated: 2026-02-04. Review status: criteria provided, single submitter. Criteria: Invitae Variant Classification Sherloc (09022015). Collection method: clinical testing. Allele origin: germline.

Blueprint Genetics
Classification: Benign. Last evaluated: 2024-11-27. Review status: criteria provided, single submitter. Criteria: ACMG Guidelines, 2015. Collection method: clinical testing. Allele origin: germline.

Genome-Nilou Lab
Classification: Benign for Occipital pachygyria and polymicrogyria. Last evaluated: 2021-08-19. Review status: criteria provided, single submitter. Criteria: ACMG Guidelines, 2015. Collection method: clinical testing. Allele origin: germline. Affected: no.

GeneDx
Classification: Benign. Last evaluated: 2015-03-03. Review status: criteria provided, single submitter. Criteria: GeneDx Variant Classification Process June 2021. Collection method: clinical testing. Allele origin: germline. Affected: yes.

Eurofins Ntd Llc (ga)
Classification: Benign. Last evaluated: 2015-01-14. Review status: criteria provided, single submitter. Criteria: EGL Classification Definitions 2015. Collection method: clinical testing. Allele origin: germline. Observed: 25 variant alleles, 13 heterozygotes, 12 homozygotes.

Breakthrough Genomics
Classification: Benign. Review status: criteria provided, single submitter. Criteria: ACMG Guidelines, 2015. Collection method: not provided. Allele origin: germline. Inheritance: Autosomal recessive inheritance. Affected: yes.

Clinical Genetics DNA and cytogenetics Diagnostics Lab, Erasmus MC, Erasmus Medical Center
Classification: Benign. Review status: no assertion criteria provided. Collection method: clinical testing. Allele origin: germline. Affected: yes. Study: VKGL Data-share Consensus. Not counted in ClinVar's aggregate classification.

Diagnostic Laboratory, Department of Genetics, University Medical Center Groningen
Classification: Benign for Occipital pachygyria and polymicrogyria. Review status: no assertion criteria provided. Collection method: clinical testing. Allele origin: germline. Affected: yes. Study: VKGL Data-share Consensus. Not counted in ClinVar's aggregate classification.

Genetic Services Laboratory, University of Chicago
Classification: Likely benign for AllHighlyPenetrant. Review status: no assertion criteria provided. Collection method: clinical testing. Allele origin: germline. Inheritance: X-linked inheritance. Not counted in ClinVar's aggregate classification.
Comment: Likely benign based on allele frequency in 1000 Genomes Project or ESP global frequency and its presence in a patient with a rare or unrelated disease phenotype. NOT Sanger confirmed.

NM_006059.4(LAMC3):c.219T>G (p.His73Gln)

Gene: LAMC3 (laminin subunit gamma 3; plus strand). Cytogenetic location: 9q34.12.
Variant type: single nucleotide variant.
Coding change: c.219T>G on transcript NM_006059.4 (MANE Select); coding-DNA position 219, T replaced by G.
Protein change: p.His73Gln; replaces histidine 73 with glutamine.
Molecular consequence: missense variant.
Genome position (GRCh38, 1-based): chr9:131,009,433, T>G. VCF-style: chr9-131009433-T-G. GRCh37 (hg19) VCF-style: chr9-133884820-T-G.
Other names: short protein forms H73Q.
Identifiers: ClinVar variation 129455 (VCV000129455.24), dbSNP rs3739512, ClinGen allele CA153478.
Genomic context (GRCh38, chr9:131,009,433, plus strand): 5'-GTGCGGCAGCCCGCCCGAGGACTTCTGTCCCCACGTGGGCGCCGCGGGCGCGGGGGCTCA[T>G]TGCCAGCGCTGCGACGCCGCCGACCCCCAGCGCCACCACAACGCCTCCTACCTCACCGAC-3'
Protein context (NP_006050.3, residues 63-83): PHVGAAGAGA[His73Gln]CQRCDAADPQ